The following is an entry in ClinVar:

ClinVar aggregate classification (germline): Uncertain significance (1 of 4 stars; one submission).

Conditions:
Inborn genetic diseases. Identifiers: MedGen C0950123, MeSH D030342.

gnomAD v4.1: 2 of 1,580,062 alleles (0.00013%); highest among the groups gnomAD compares: Non-Finnish European, 0.00017%; no homozygotes.

Submission:

Ambry Genetics
Classification: Uncertain significance for Inborn genetic diseases. Last evaluated: 2025-09-19. Review status: criteria provided, single submitter. Criteria: Ambry Variant Classification Scheme 2023. Collection method: clinical testing. Allele origin: germline.
Comment: The p.R24W variant (also known as c.70C>T), located in coding exon 1 of the SH2B3 gene, results from a C to T substitution at nucleotide position 70. The arginine at codon 24 is replaced by tryptophan, an amino acid with dissimilar properties. This amino acid position is conserved. In addition, this alteration is predicted to be tolerated by in silico analysis. Based on the available evidence, the clinical significance of this variant remains unclear.

NM_005475.3(SH2B3):c.70C>T (p.Arg24Trp)

Gene: SH2B3 (SH2B adaptor protein 3; plus strand). Cytogenetic location: 12q24.12.
Variant type: single nucleotide variant.
Coding change: c.70C>T on transcript NM_005475.3 (MANE Select); coding-DNA position 70, C replaced by T.
Protein change: p.Arg24Trp; replaces arginine 24 with tryptophan.
Molecular consequence: missense variant.
Genome position (GRCh38, 1-based): chr12:111,418,215, C>T. VCF-style: chr12-111418215-C-T. GRCh37 (hg19) VCF-style: chr12-111856019-C-T.
Other names: short protein forms R24W.
Identifiers: ClinVar variation 4630689 (VCV004630689.1).